The following is an entry in ClinVar:

NM_024642.5(GALNT12):c.737A>T (p.His246Leu)

Gene: GALNT12 (polypeptide N-acetylgalactosaminyltransferase 12; plus strand). Cytogenetic location: 9q22.33.
Variant type: single nucleotide variant.
Coding change: c.737A>T on transcript NM_024642.5 (MANE Select); coding-DNA position 737, A replaced by T.
Protein change: p.His246Leu; replaces histidine 246 with leucine.
Molecular consequence: missense variant.
Genome position (GRCh38, 1-based): chr9:98,831,777, A>T. VCF-style: chr9-98831777-A-T. GRCh37 (hg19) VCF-style: chr9-101594059-A-T.
Other names: short protein forms H246L.
Identifiers: ClinVar variation 4843092 (VCV004843092.1).
Genomic context (GRCh38, chr9:98,831,777, plus strand): 5'-CTTCCTGCTGCCCGTCTGCATAGGAGAGACGGATGGATGTCTTGGGTGCTTTCAGGATCC[A>T]TGAAGAGGAGTCGGCAGTGGTGTGCCCGGTGATTGATGTGATCGACTGGAACACCTTCGA-3'
Protein context (NP_078918.3, residues 236-256): GWLEPLLQRI[His246Leu]EEESAVVCPV

ClinVar aggregate classification (germline): Uncertain significance (1 of 4 stars; one submission).

Submission:

Ambry Genetics
Classification: Uncertain significance. Last evaluated: 2026-01-06. Review status: criteria provided, single submitter. Criteria: Ambry Variant Classification Scheme 2023. Collection method: clinical testing. Allele origin: germline.
Comment: The p.H246L variant (also known as c.737A>T), located in coding exon 4 of the GALNT12 gene, results from an A to T substitution at nucleotide position 737. The histidine at codon 246 is replaced by leucine, an amino acid with similar properties. This amino acid position is conserved. In addition, this alteration is predicted to be tolerated by in silico analysis. Based on the available evidence, the clinical significance of this variant remains unclear.